The following is an entry in ClinVar:

NM_138694.4(PKHD1):c.3559G>A (p.Gly1187Arg)

Gene: PKHD1 (PKHD1 ciliary IPT domain containing fibrocystin/polyductin; minus strand). Cytogenetic location: 6p12.2.
Variant type: single nucleotide variant.
Coding change: c.3559G>A on transcript NM_138694.4 (MANE Select); coding-DNA position 3559, G replaced by A.
Protein change: p.Gly1187Arg; replaces glycine 1187 with arginine.
Molecular consequence: missense variant.
Genome position (GRCh38, 1-based): chr6:52,028,157, C>T on the plus strand (G>A on the coding strand, the complement: PKHD1 is on the minus strand). VCF-style: chr6-52028157-C-T. GRCh37 (hg19) VCF-style: chr6-51892955-C-T.
Other names: c.3559G>A, p.Gly1187Arg (NM_170724.3); short protein forms G1187R.
Identifiers: ClinVar variation 1331322 (VCV001331322.2), dbSNP rs2128152412, ClinGen allele CA364440194.

ClinVar aggregate classification (germline): Uncertain significance (1 of 4 stars; one submission).

Submission:

GeneDx
Classification: Uncertain significance. Last evaluated: 2021-07-01. Review status: criteria provided, single submitter. Criteria: GeneDx Variant Classification Process June 2021. Collection method: clinical testing. Allele origin: germline. Affected: yes.
Comment: Not observed at significant frequency in large population cohorts (Lek et al., 2016); In silico analysis supports that this missense variant has a deleterious effect on protein structure/function; Has not been previously published as pathogenic or benign to our knowledge; This variant is associated with the following publications: (PMID: 27535533)